The following is an entry in ClinVar:

NM_002691.4(POLD1):c.1036G>A (p.Glu346Lys)

Gene: POLD1 (DNA polymerase delta 1, catalytic subunit; plus strand). Cytogenetic location: 19q13.33.
Variant type: single nucleotide variant.
Coding change: c.1036G>A on transcript NM_002691.4 (MANE Select); coding-DNA position 1036, G replaced by A.
Protein change: p.Glu346Lys; replaces glutamic acid 346 with lysine.
Molecular consequence: missense variant. On other transcripts: non-coding transcript variant (1).
Genome position (GRCh38, 1-based): chr19:50,403,118, G>A. VCF-style: chr19-50403118-G-A. GRCh37 (hg19) VCF-style: chr19-50906375-G-A.
Other names: c.1036G>A, p.Glu346Lys (NM_001256849.1, NM_001308632.1); c.1036G>A (NM_002691.2); short protein forms E346K.
Identifiers: ClinVar variation 847717 (VCV000847717.11), dbSNP rs1064796383, ClinGen allele CA406978080.
Genomic context (GRCh38, chr19:50,403,118, plus strand): 5'-TTCCCTGAGCCTGAGCGGGACCCTGTCATCCAGATCTGCTCGCTGGGCCTGCGCTGGGGG[G>A]AGCCGGAGCCCTTCCTACGCCTGGCGCTCACCCTGCGGCCCTGTGCCCCCATCCTGGGTG-3'
Protein context (NP_002682.2, residues 336-356): QICSLGLRWG[Glu346Lys]PEPFLRLALT

ClinVar aggregate classification (germline): Uncertain significance. Review status: criteria provided, multiple submitters, no conflicts (2 of 4 stars). 3 submissions from 3 submitters: Uncertain significance (3). Last evaluated 2025-06-04.

Conditions:
Hereditary cancer-predisposing syndrome. Also called: Tumor predisposition; Hereditary Cancer Syndrome; Hereditary neoplastic syndrome; Neoplastic Syndromes, Hereditary. Identifiers: Orphanet 140162, MedGen C0027672, MeSH D009386, MONDO:0015356.
POLD1-related polyposis and colorectal cancer syndrome (CRCS10). Also called: Colorectal cancer 10; COLORECTAL CANCER, SUSCEPTIBILITY TO, ON CHROMOSOME 19q; Colorectal cancer, susceptibility to, 10. Identifiers: Orphanet 220460, MedGen C2675481, MONDO:0012953, OMIM 612591.

gnomAD v4.1: 2 of 1,563,468 alleles (0.00013%); highest among the groups gnomAD compares: Non-Finnish European, 0.00017%; no homozygotes.

Submissions (3):

Labcorp Genetics (formerly Invitae), Labcorp
Classification: Uncertain significance for POLD1-related polyposis and colorectal cancer syndrome. Last evaluated: 2025-06-04. Review status: criteria provided, single submitter. Criteria: Invitae Variant Classification Sherloc (09022015). Collection method: clinical testing. Allele origin: germline.
Comment: This sequence change replaces glutamic acid, which is acidic and polar, with lysine, which is basic and polar, at codon 346 of the POLD1 protein (p.Glu346Lys). This variant is not present in population databases (gnomAD no frequency). This variant has not been reported in the literature in individuals affected with POLD1-related conditions. ClinVar contains an entry for this variant (Variation ID: 847717). Invitae Evidence Modeling of protein sequence and biophysical properties (such as structural, functional, and spatial information, amino acid conservation, physicochemical variation, residue mobility, and thermodynamic stability) indicates that this missense variant is not expected to disrupt POLD1 protein function with a negative predictive value of 80%. In summary, the available evidence is currently insufficient to determine the role of this variant in disease. Therefore, it has been classified as a Variant of Uncertain Significance.

Ambry Genetics
Classification: Uncertain significance for Hereditary cancer-predisposing syndrome. Last evaluated: 2025-05-31. Review status: criteria provided, single submitter. Criteria: Ambry Variant Classification Scheme 2023. Collection method: clinical testing. Allele origin: germline.
Comment: The p.E346K variant (also known as c.1036G>A), located in coding exon 8 of the POLD1 gene, results from a G to A substitution at nucleotide position 1036. The glutamic acid at codon 346 is replaced by lysine, an amino acid with similar properties. This amino acid position is conserved. In addition, the in silico prediction for this alteration is inconclusive. Based on the available evidence, the clinical significance of this variant remains unclear.

GeneDx
Classification: Uncertain significance. Last evaluated: 2024-02-07. Review status: criteria provided, single submitter. Criteria: GeneDx Variant Classification Process June 2021. Collection method: clinical testing. Allele origin: germline. Affected: yes.
Comment: Not observed at significant frequency in large population cohorts (gnomAD); In silico analysis supports that this missense variant does not alter protein structure/function; Has not been previously published as pathogenic or benign to our knowledge; This variant is associated with the following publications: (PMID: 20951805)